The following is an entry in ClinVar:

ClinVar aggregate classification (germline): Uncertain significance (1 of 4 stars; one submission).

Conditions:
Lodder-Merla syndrome, type 1, with impaired intellectual development and cardiac arrhythmia. Also called: Gnb5-related intellectual disability-cardiac arrhythmia syndrome; Intellectual developmental disorder with cardiac arrhythmia. Identifiers: Orphanet 542306, MedGen C5568877, MONDO:0014953, OMIM 617173.

Allele frequency attached by ClinVar (database versions not stated): TOPMed below 0.00001.

Submission:

Baylor Genetics
Classification: Uncertain significance for Lodder-Merla syndrome, type 1, with impaired intellectual development and cardiac arrhythmia. Last evaluated: 2018-06-11. Review status: criteria provided, single submitter. Criteria: ACMG Guidelines, 2015. Collection method: clinical testing. Allele origin: unknown. Affected: yes.
Comment: This variant was determined to be of uncertain significance according to ACMG Guidelines, 2015 [PMID:25741868].

NM_016194.4(GNB5):c.790A>G (p.Met264Val)

Gene: GNB5 (G protein subunit beta 5; minus strand). Cytogenetic location: 15q21.2.
Variant type: single nucleotide variant.
Coding change: c.790A>G on transcript NM_016194.4 (MANE Select); coding-DNA position 790, A replaced by G.
Protein change: p.Met264Val; replaces methionine 264 with valine.
Molecular consequence: missense variant.
Genome position (GRCh38, 1-based): chr15:52,133,451, T>C on the plus strand (A>G on the coding strand, the complement: GNB5 is on the minus strand). VCF-style: chr15-52133451-T-C. GRCh37 (hg19) VCF-style: chr15-52425648-T-C.
Other names: c.508A>G, p.Met170Val (NM_001379343.1); c.664A>G, p.Met222Val (NM_006578.4); short protein forms M264V, M170V, M222V.
Identifiers: ClinVar variation 1033806 (VCV001033806.1), dbSNP rs2033629123, ClinGen allele CA392490695.